The following is an entry in ClinVar:

ClinVar aggregate classification (germline): Uncertain significance (1 of 4 stars; one submission).

Conditions:
Familial hemophagocytic lymphohistiocytosis 5. Also called: STXBP2-Related Familial Hemophagocytic Lymphohistiocytosis (STXBP2-fHLH). Identifiers: Orphanet 540, MedGen C2751293, MONDO:0013135, OMIM 613101.

Allele frequency attached by ClinVar (database versions not stated): TOPMed 0.00001.

Submission:

Labcorp Genetics (formerly Invitae), Labcorp
Classification: Uncertain significance for Familial hemophagocytic lymphohistiocytosis 5. Last evaluated: 2024-10-24. Review status: criteria provided, single submitter. Criteria: Invitae Variant Classification Sherloc (09022015). Collection method: clinical testing. Allele origin: germline.
Comment: This sequence change replaces valine, which is neutral and non-polar, with isoleucine, which is neutral and non-polar, at codon 538 of the STXBP2 protein (p.Val538Ile). This variant is not present in population databases (gnomAD no frequency). This variant has not been reported in the literature in individuals affected with STXBP2-related conditions. ClinVar contains an entry for this variant (Variation ID: 1508023). Invitae Evidence Modeling of protein sequence and biophysical properties (such as structural, functional, and spatial information, amino acid conservation, physicochemical variation, residue mobility, and thermodynamic stability) indicates that this missense variant is not expected to disrupt STXBP2 protein function with a negative predictive value of 95%. In summary, the available evidence is currently insufficient to determine the role of this variant in disease. Therefore, it has been classified as a Variant of Uncertain Significance.

NM_006949.4(STXBP2):c.1612G>A (p.Val538Ile)

Gene: STXBP2 (syntaxin binding protein 2; plus strand). Cytogenetic location: 19p13.2.
Variant type: single nucleotide variant.
Coding change: c.1612G>A on transcript NM_006949.4 (MANE Select); coding-DNA position 1612, G replaced by A.
Protein change: p.Val538Ile; replaces valine 538 with isoleucine.
Molecular consequence: missense variant. On other transcripts: non-coding transcript variant (1).
Genome position (GRCh38, 1-based): chr19:7,647,427, G>A. VCF-style: chr19-7647427-G-A. GRCh37 (hg19) VCF-style: chr19-7712313-G-A.
Other names: c.1603G>A, p.Val535Ile (NM_001127396.3); c.1645G>A, p.Val549Ile (NM_001272034.2); short protein forms V538I, V535I, V549I.
Identifiers: ClinVar variation 1508023 (VCV001508023.4), dbSNP rs2032182835, ClinGen allele CA403162062.
Genomic context (GRCh38, chr19:7,647,427, plus strand): 5'-CACTGGCACAAGAACAAGGCTGGCATAGAAGCCCGGGCGGGCCCCCGGCTCATCGTGTAT[G>A]TCATGGGCGGTGTGGCCATGTCAGAGATGAGGGCCGCCTACGAGGTGACCAGGGCCACCG-3'
Protein context (NP_008880.2, residues 528-548): ARAGPRLIVY[Val538Ile]MGGVAMSEMR